The following is an entry in ClinVar:

ClinVar aggregate classification (germline): Uncertain significance (1 of 4 stars; one submission).

Allele frequency attached by ClinVar (database versions not stated): gnomAD exomes below 0.00001; gnomAD 0.00001; TOPMed 0.00002.
gnomAD v4.1: 3 of 1,614,110 alleles (0.00019%); highest among the groups gnomAD compares: African/African-American, 0.004%; no homozygotes.

Submission:

GeneDx
Classification: Uncertain significance. Last evaluated: 2022-03-31. Review status: criteria provided, single submitter. Criteria: GeneDx Variant Classification Process June 2021. Collection method: clinical testing. Allele origin: germline. Affected: yes.
Comment: In silico analysis supports that this missense variant does not alter protein structure/function; Has not been previously published as pathogenic or benign to our knowledge

NM_001366145.2(TRPM3):c.2875A>G (p.Ile959Val)

Gene: TRPM3 (transient receptor potential cation channel subfamily M member 3; minus strand). Cytogenetic location: 9q21.12.
Variant type: single nucleotide variant.
Coding change: c.2875A>G on transcript NM_001366145.2 (MANE Select); coding-DNA position 2875, A replaced by G.
Protein change: p.Ile959Val; replaces isoleucine 959 with valine.
Molecular consequence: missense variant.
Genome position (GRCh38, 1-based): chr9:70,598,592, T>C on the plus strand (A>G on the coding strand, the complement: TRPM3 is on the minus strand). VCF-style: chr9-70598592-T-C. GRCh37 (hg19) VCF-style: chr9-73213508-T-C.
Other names: c.2839A>G, p.Ile947Val (NM_001007471.4, NM_001366151.2); c.2845A>G, p.Ile949Val (NM_001366141.2, NM_001366143.2, NM_001366149.2); c.2881A>G, p.Ile961Val (NM_001366142.2); c.2875A>G, p.Ile959Val (NM_001366146.2); c.2950A>G, p.Ile984Val (NM_001366147.2, NM_001366152.2); c.2920A>G, p.Ile974Val (NM_001366148.2); c.2809A>G, p.Ile937Val (NM_001366150.2); c.2416A>G, p.Ile806Val (NM_001366154.2, NM_024971.7); and 5 more; short protein forms I784V, I794V, I796V, I806V, I809V, I819V, I937V, I947V.
Identifiers: ClinVar variation 1707971 (VCV001707971.2), dbSNP rs931648453, ClinGen allele CA193434919.